The following is an entry in ClinVar:

ClinVar aggregate classification (germline): Uncertain significance (1 of 4 stars; one submission).

Allele frequency attached by ClinVar (database versions not stated): gnomAD exomes below 0.00001; gnomAD 0.00002; TOPMed 0.00003; ExAC 0.00004; ESP Exome Variant Server 0.00015.
gnomAD v4.1: 6 of 1,597,654 alleles (0.00038%); highest among the groups gnomAD compares: African/African-American, 0.0027%; no homozygotes.

Submission:

Labcorp Genetics (formerly Invitae), Labcorp
Classification: Uncertain significance. Last evaluated: 2025-01-06. Review status: criteria provided, single submitter. Criteria: Invitae Variant Classification Sherloc (09022015). Collection method: clinical testing. Allele origin: germline.
Comment: This sequence change replaces serine, which is neutral and polar, with asparagine, which is neutral and polar, at codon 347 of the TELO2 protein (p.Ser347Asn). The frequency data for this variant in the population databases is considered unreliable, as metrics indicate poor data quality at this position in the gnomAD database. This variant has not been reported in the literature in individuals affected with TELO2-related conditions. ClinVar contains an entry for this variant (Variation ID: 1915281). Invitae Evidence Modeling of protein sequence and biophysical properties (such as structural, functional, and spatial information, amino acid conservation, physicochemical variation, residue mobility, and thermodynamic stability) has been performed for this missense variant. However, the output from this modeling did not meet the statistical confidence thresholds required to predict the impact of this variant on TELO2 protein function. In summary, the available evidence is currently insufficient to determine the role of this variant in disease. Therefore, it has been classified as a Variant of Uncertain Significance.

NM_016111.4(TELO2):c.1040G>A (p.Ser347Asn)

Gene: TELO2 (telomere maintenance 2; plus strand). Cytogenetic location: 16p13.3.
Variant type: single nucleotide variant.
Coding change: c.1040G>A on transcript NM_016111.4 (MANE Select); coding-DNA position 1040, G replaced by A.
Protein change: p.Ser347Asn; replaces serine 347 with asparagine.
Molecular consequence: missense variant.
Genome position (GRCh38, 1-based): chr16:1,500,384, G>A. VCF-style: chr16-1500384-G-A. GRCh37 (hg19) VCF-style: chr16-1550385-G-A.
Other names: c.1040G>A, p.Ser347Asn (NM_001351846.2); short protein forms S347N.
Identifiers: ClinVar variation 1915281 (VCV001915281.5), dbSNP rs370700565, ClinGen allele CA7811921.